The following is an entry in ClinVar:

NM_014141.6(CNTNAP2):c.249A>T (p.Gln83His)

Gene: CNTNAP2 (contactin associated protein 2; plus strand). Cytogenetic location: 7q35.
Variant type: single nucleotide variant.
Coding change: c.249A>T on transcript NM_014141.6 (MANE Select); coding-DNA position 249, A replaced by T.
Protein change: p.Gln83His; replaces glutamine 83 with histidine.
Molecular consequence: missense variant.
Genome position (GRCh38, 1-based): chr7:146,839,751, A>T. VCF-style: chr7-146839751-A-T. GRCh37 (hg19) VCF-style: chr7-146536843-A-T.
Other names: short protein forms Q83H.
Identifiers: ClinVar variation 1992772 (VCV001992772.4), dbSNP rs1803682997, ClinGen allele CA369922548.
Genomic context (GRCh38, chr7:146,839,751, plus strand): 5'-TTACCTCTGCCCATCTTCAGGTGCTGGGGGATGGTCTCCATCAGACAGCGACCATTATCA[A>T]TGGCTTCAGGTTGACTTTGGCAATCGGAAGCAGATCAGTGCCATTGCAACCCAAGGAAGG-3'
Protein context (NP_054860.1, residues 73-93): GWSPSDSDHY[Gln83His]WLQVDFGNRK

ClinVar aggregate classification (germline): Uncertain significance (1 of 4 stars; one submission).

Conditions:
Cortical dysplasia-focal epilepsy syndrome (PTHSL1). Also called: Pitt-Hopkins-like syndrome 1. Identifiers: Orphanet 163681, Orphanet 221150, MedGen C2750246, MONDO:0012400, OMIM 610042.

Submission:

Labcorp Genetics (formerly Invitae), Labcorp
Classification: Uncertain significance for Cortical dysplasia-focal epilepsy syndrome. Last evaluated: 2022-05-16. Review status: criteria provided, single submitter. Criteria: Invitae Variant Classification Sherloc (09022015). Collection method: clinical testing. Allele origin: germline.
Comment: This sequence change replaces glutamine, which is neutral and polar, with histidine, which is basic and polar, at codon 83 of the CNTNAP2 protein (p.Gln83His). In summary, the available evidence is currently insufficient to determine the role of this variant in disease. Therefore, it has been classified as a Variant of Uncertain Significance. Algorithms developed to predict the effect of missense changes on protein structure and function are either unavailable or do not agree on the potential impact of this missense change (SIFT: "Deleterious"; PolyPhen-2: "Probably Damaging"; Align-GVGD: "Class C0"). This variant has not been reported in the literature in individuals affected with CNTNAP2-related conditions. This variant is not present in population databases (gnomAD no frequency).